The following is an entry in ClinVar:

ClinVar aggregate classification (germline): Conflicting classifications of pathogenicity. Review status: criteria provided, conflicting classifications (1 of 4 stars). 4 submissions from 4 submitters: Uncertain significance (1); Likely benign (1). 2 of the submissions do not count toward it. Last evaluated 2022-08-09.

Conditions:
Seizure. Also called: Seizures. Identifiers: MedGen C0036572, HP:0001250.

gnomAD v4.1: 9 of 1,613,846 alleles (0.00056%); highest among the groups gnomAD compares: Non-Finnish European, 0.00076%; no homozygotes.

Submissions (4):

GeneDx
Classification: Uncertain significance. Last evaluated: 2022-08-09. Review status: criteria provided, single submitter. Criteria: GeneDx Variant Classification Process June 2021. Collection method: clinical testing. Allele origin: germline. Affected: yes.
Comment: Not observed at significant frequency in large population cohorts (gnomAD); Missense variants in this gene are often considered pathogenic (HGMD); In silico analysis supports that this missense variant does not alter protein structure/function; This substitution is predicted to be within the N-terminal cytoplasmic domain.; Has not been previously published as pathogenic or benign to our knowledge

Cytogénomique, Hospices Civils de Lyon
Classification: Likely benign for Seizure. Last evaluated: 2020-10-29. Review status: criteria provided, single submitter. Criteria: ACMG Guidelines, 2015. Collection method: clinical testing. Allele origin: maternal. Inheritance: Autosomal dominant inheritance. Affected: yes.
Comment: Absent from gnomad. Predicted benign.

Diagnostic Laboratory, Department of Genetics, University Medical Center Groningen
Classification: Uncertain significance. Review status: no assertion criteria provided. Collection method: clinical testing. Allele origin: germline. Affected: yes. Study: VKGL Data-share Consensus. Not counted in ClinVar's aggregate classification.

Joint Genome Diagnostic Labs from Nijmegen and Maastricht, Radboudumc and MUMC+
Classification: Uncertain significance. Review status: no assertion criteria provided. Collection method: clinical testing. Allele origin: germline. Affected: yes. Study: VKGL Data-share Consensus. Not counted in ClinVar's aggregate classification.

NM_001040142.2(SCN2A):c.1399G>T (p.Ala467Ser)

Gene: SCN2A (sodium voltage-gated channel alpha subunit 2; plus strand). Cytogenetic location: 2q24.3.
Variant type: single nucleotide variant.
Coding change: c.1399G>T on transcript NM_001040142.2 (MANE Select); coding-DNA position 1399, G replaced by T.
Protein change: p.Ala467Ser; replaces alanine 467 with serine.
Molecular consequence: missense variant.
Genome position (GRCh38, 1-based): chr2:165,315,486, G>T. VCF-style: chr2-165315486-G-T. GRCh37 (hg19) VCF-style: chr2-166171996-G-T.
Other names: c.1399G>T (NM_021007.2); c.1399G>T, p.Ala467Ser (NM_001040143.2, NM_001371246.1, NM_001371247.1 and 1 more transcripts); short protein forms A467S.
Identifiers: ClinVar variation 983216 (VCV000983216.8), dbSNP rs745774658, ClinGen allele CA349022664.